The following is an entry in ClinVar:

NM_000494.4(COL17A1):c.1687+1G>T

Gene: COL17A1 (collagen type XVII alpha 1 chain; minus strand). Cytogenetic location: 10q25.1.
Variant type: single nucleotide variant.
Coding change: c.1687+1G>T on transcript NM_000494.4 (MANE Select); the canonical splice donor site of the intron after coding-DNA position 1687, G replaced by T.
Molecular consequence: splice donor variant.
Genome position (GRCh38, 1-based): chr10:104,055,781, C>A on the plus strand (G>T on the coding strand, the complement: COL17A1 is on the minus strand). VCF-style: chr10-104055781-C-A. GRCh37 (hg19) VCF-style: chr10-105815539-C-A.
Identifiers: ClinVar variation 631625 (VCV000631625.7), dbSNP rs1564679226, ClinGen allele CA378071738.

ClinVar aggregate classification (germline): Likely pathogenic (1 of 4 stars; one submission).

gnomAD v4.1: 4 of 1,614,038 alleles (0.00025%); highest among the groups gnomAD compares: Non-Finnish European, 0.00034%; no homozygotes.

Submission:

Labcorp Genetics (formerly Invitae), Labcorp
Classification: Likely pathogenic. Last evaluated: 2023-07-08. Review status: criteria provided, single submitter. Criteria: Invitae Variant Classification Sherloc (09022015). Collection method: clinical testing. Allele origin: germline.
Comment: This sequence change affects a donor splice site in intron 18 of the COL17A1 gene. It is expected to disrupt RNA splicing. Variants that disrupt the donor or acceptor splice site typically lead to a loss of protein function (PMID: 16199547), and loss-of-function variants in COL17A1 are known to be pathogenic (PMID: 16473856, 17344927, 20301304, 21357940, 24319098). This variant is not present in population databases (gnomAD no frequency). This variant has not been reported in the literature in individuals affected with COL17A1-related conditions. ClinVar contains an entry for this variant (Variation ID: 631625). Algorithms developed to predict the effect of sequence changes on RNA splicing suggest that this variant may disrupt the consensus splice site. In summary, the currently available evidence indicates that the variant is pathogenic, but additional data are needed to prove that conclusively. Therefore, this variant has been classified as Likely Pathogenic.

Literature cited by the submitters: PubMed 16199547; PubMed 16473856; PubMed 17344927; PubMed 20301304; PubMed 21357940; PubMed 24319098.